The following is an entry in ClinVar:

ClinVar aggregate classification (germline): Uncertain significance. Review status: criteria provided, multiple submitters, no conflicts (2 of 4 stars). 2 submissions from 2 submitters: Uncertain significance (2). Last evaluated 2025-08-10.

Conditions:
Desbuquois dysplasia 1 (DBQD1). Also called: MICROMELIC DWARFISM WITH VERTEBRAL AND METAPHYSEAL ABNORMALITIES AND ADVANCED CARPOTARSAL OSSIFICATION; DESBUQUOIS DYSPLASIA 1, KIM VARIANT. Identifiers: Orphanet 1425, MedGen C4012146, MONDO:0009629, OMIM 251450.
Inborn genetic diseases. Identifiers: MedGen C0950123, MeSH D030342.

Allele frequency attached by ClinVar (database versions not stated): gnomAD 0.00001; TOPMed 0.00001; ExAC 0.00002; gnomAD exomes 0.00002.
gnomAD v4.1: 11 of 1,614,060 alleles (0.00068%); highest among the groups gnomAD compares: Admixed American, 0.018%; no homozygotes.

Submissions (2):

Ambry Genetics
Classification: Uncertain significance for Inborn genetic diseases. Last evaluated: 2025-08-10. Review status: criteria provided, single submitter. Criteria: Ambry Variant Classification Scheme 2023. Collection method: clinical testing. Allele origin: germline.

Labcorp Genetics (formerly Invitae), Labcorp
Classification: Uncertain significance for Desbuquois dysplasia 1. Last evaluated: 2023-10-03. Review status: criteria provided, single submitter. Criteria: Invitae Variant Classification Sherloc (09022015). Collection method: clinical testing. Allele origin: germline.
Comment: This sequence change replaces glutamine, which is neutral and polar, with arginine, which is basic and polar, at codon 189 of the XYLT1 protein (p.Gln189Arg). This variant is present in population databases (rs757877161, gnomAD 0.02%). This variant has not been reported in the literature in individuals affected with XYLT1-related conditions. ClinVar contains an entry for this variant (Variation ID: 2050929). Advanced modeling of protein sequence and biophysical properties (such as structural, functional, and spatial information, amino acid conservation, physicochemical variation, residue mobility, and thermodynamic stability) performed at Invitae indicates that this missense variant is not expected to disrupt XYLT1 protein function. In summary, the available evidence is currently insufficient to determine the role of this variant in disease. Therefore, it has been classified as a Variant of Uncertain Significance.

NM_022166.4(XYLT1):c.566A>G (p.Gln189Arg)

Genes: XYLT1 (xylosyltransferase 1; minus strand), LOC130058566 (ATAC-STARR-seq lymphoblastoid active region 10505; plus strand). Cytogenetic location: 16p12.3.
Variant type: single nucleotide variant.
Coding change: c.566A>G on transcript NM_022166.4 (MANE Select); coding-DNA position 566, A replaced by G.
Protein change: p.Gln189Arg; replaces glutamine 189 with arginine.
Molecular consequence: missense variant.
Genome position (GRCh38, 1-based): chr16:17,259,335, T>C on the plus strand (A>G on the coding strand, the complement: XYLT1 is on the minus strand). VCF-style: chr16-17259335-T-C. GRCh37 (hg19) VCF-style: chr16-17353192-T-C.
Other names: c.566A>G (NM_022166.3); short protein forms Q189R.
Identifiers: ClinVar variation 2050929 (VCV002050929.5), dbSNP rs757877161, ClinGen allele CA7928165.